The following is an entry in ClinVar:

NM_033028.5(BBS4):c.403T>A (p.Trp135Arg)

Gene: BBS4 (Bardet-Biedl syndrome 4; plus strand). Cytogenetic location: 15q24.1.
Variant type: single nucleotide variant.
Coding change: c.403T>A on transcript NM_033028.5 (MANE Select); coding-DNA position 403, T replaced by A.
Protein change: p.Trp135Arg; replaces tryptophan 135 with arginine.
Molecular consequence: missense variant. On other transcripts: 5 prime UTR variant (1), non-coding transcript variant (2).
Genome position (GRCh38, 1-based): chr15:72,716,848, T>A. VCF-style: chr15-72716848-T-A. GRCh37 (hg19) VCF-style: chr15-73009189-T-A.
Other names: c.-119T>A (NM_001252678.2); c.403T>A, p.Trp135Arg (NM_001320665.2); short protein forms W135R.
Identifiers: ClinVar variation 1356955 (VCV001356955.6), dbSNP rs768304898, ClinGen allele CA393077185.
Genomic context (GRCh38, chr15:72,716,848, plus strand): 5'-GGAAAACATAAAGCTGCCATTGAAGTATATAATGAAGCAGCTAAACTCAACCAGAAAGAT[T>A]GGGTAAGTAGAGAACTTTCAGTTCTTTCTTATTAGTAAACTTGCTAATGGTTCCATTTAT-3'
Protein context (NP_149017.2, residues 125-145): NEAAKLNQKD[Trp135Arg]EISHNLGVCY

ClinVar aggregate classification (germline): Uncertain significance. Review status: criteria provided, multiple submitters, no conflicts (2 of 4 stars). 2 submissions from 2 submitters: Uncertain significance (2). Last evaluated 2022-11-29.

Conditions:
Bardet-Biedl syndrome (BBS). Identifiers: Orphanet 110, MedGen C0752166, MONDO:0015229.

gnomAD v4.1: 1 of 1,606,738 alleles (0.000062%); highest among the groups gnomAD compares: Non-Finnish European, 0.000085%; no homozygotes.

Submissions (2):

Blueprint Genetics
Classification: Uncertain significance. Last evaluated: 2022-11-29. Review status: criteria provided, single submitter. Criteria: ACMG Guidelines, 2015. Collection method: clinical testing. Allele origin: germline.

Labcorp Genetics (formerly Invitae), Labcorp
Classification: Uncertain significance for Bardet-Biedl syndrome. Last evaluated: 2021-08-13. Review status: criteria provided, single submitter. Criteria: Invitae Variant Classification Sherloc (09022015). Collection method: clinical testing. Allele origin: germline.
Comment: This sequence change replaces tryptophan with arginine at codon 135 of the BBS4 protein (p.Trp135Arg). The tryptophan residue is highly conserved and there is a moderate physicochemical difference between tryptophan and arginine. This variant is not present in population databases (ExAC no frequency). This variant has not been reported in the literature in individuals affected with BBS4-related conditions. Algorithms developed to predict the effect of missense changes on protein structure and function are either unavailable or do not agree on the potential impact of this missense change (SIFT: "Tolerated"; PolyPhen-2: "Probably Damaging"; Align-GVGD: "Class C0"). In summary, the available evidence is currently insufficient to determine the role of this variant in disease. Therefore, it has been classified as a Variant of Uncertain Significance.